The following is an entry in ClinVar:

ClinVar aggregate classification (germline): Pathogenic (1 of 4 stars; one submission).

Conditions:
Salla disease (SD). Also called: Less Severe FSASD (Salla Disease); Sialuria, Finnish type; N-acetylneuraminic acid (NANA) storage disease (NSD); Infantile sialic acid storage disorder (ISSD). Identifiers: Orphanet 309334, Orphanet 834, MedGen C1096903, MONDO:0011449, OMIM 604369.

Submission:

Labcorp Genetics (formerly Invitae), Labcorp
Classification: Pathogenic for Salla disease. Last evaluated: 2022-04-10. Review status: criteria provided, single submitter. Criteria: Invitae Variant Classification Sherloc (09022015). Collection method: clinical testing. Allele origin: germline.
Comment: This variant is a gross deletion of the genomic region encompassing exon(s) 1 of the SLC17A5 gene, which includes the initiator codon. This deletion extends beyond the assayed region for this gene and therefore may encompass additional genes. It is expected to result in an absent or disrupted protein product. Loss-of-function variants in SLC17A5 are known to be pathogenic (PMID: 10581036, 10947946, 15172001). A similar copy number variant has been observed in individual(s) with sialic acid storage disorder (PMID: 30243016). For these reasons, this variant has been classified as Pathogenic.

Literature cited by the submitters: PubMed 10581036; PubMed 10947946; PubMed 15172001; PubMed 30243016.

NC_000006.11:g.(?_74363496)_(74363609_?)del

Gene: SLC17A5 (solute carrier family 17 member 5; minus strand). Cytogenetic location: 6q13.
Variant type: Deletion.
Identifiers: ClinVar variation 2425810 (VCV002425810.4).